The following is an entry in ClinVar:

NM_001183.6(ATP6AP1):c.1113C>T (p.Cys371=)

Gene: ATP6AP1 (ATPase H+ transporting accessory protein 1; plus strand). Cytogenetic location: Xq28.
Variant type: single nucleotide variant.
Coding change: c.1113C>T on transcript NM_001183.6 (MANE Select); coding-DNA position 1113, C replaced by T.
Protein change: p.Cys371=; no amino-acid change (cysteine 371 retained).
Molecular consequence: synonymous variant.
Genome position (GRCh38, 1-based): chrX:154,435,415, C>T. VCF-style: chrX-154435415-C-T. GRCh37 (hg19) VCF-style: chrX-153663761-C-T.
Identifiers: ClinVar variation 504018 (VCV000504018.2), dbSNP rs1557197507, ClinGen allele CA519710859.

ClinVar aggregate classification (germline): Uncertain significance (1 of 4 stars; one submission).

Submission:

GeneDx
Classification: Uncertain significance. Last evaluated: 2018-01-11. Review status: criteria provided, single submitter. Criteria: GeneDx Variant Classification (06012015). Collection method: clinical testing. Allele origin: germline. Affected: yes.
Comment: The c.1113 C>T variant in the ATP6AP1 gene has not been published as a pathogenic variant nor as a benign variant, to our knowledge. This substitution occurs at a nucleotide position that is not conserved across species. Although the c.1113 C>T variant results in a synonymous amino acid substitution (Cys371=), multiple in-silico splice prediction models predict that c.1113 C>T may create a new splice donor site and lead to abnormal gene splicing. However, in the absence of RNA/functional studies, the actual effect of this sequence change in this individual is unknown. The c.1113 C>T variant is not observed in large population cohorts (Lek et al., 2016). We interpret c.1113 C>T as a variant of uncertain significance.